The following continues an entry in ClinVar:

NM_000257.4(MYH7):c.2602G>C (p.Ala868Pro)

ClinVar aggregate classification (germline): Likely pathogenic. Likely pathogenic (1).

Submissions 8 to 12 of 12:

All of Us Research Program, National Institutes of Health
Classification: Likely pathogenic for Hypertrophic cardiomyopathy. Last evaluated: 2023-12-18. Review status: criteria provided, single submitter. Criteria: ACMG Guidelines, 2015. Collection method: clinical testing. Allele origin: germline. Inheritance: Autosomal dominant inheritance. Observed: 2 variant alleles, 2 heterozygotes. Not counted in ClinVar's aggregate classification.
Comment: This missense variant replaces alanine with proline at codon 868 in the myosin head/motor domain of the MYH7 protein. Computational prediction suggests that this variant may have a deleterious impact on protein structure and function (internally defined REVEL score threshold >= 0.7, PMID: 27666373). This variant is found within a highly conserved region of the myosin head domain. Missense variants in this region have been shown to be significantly overrepresented in individuals with hypertrophic cardiomyopathy (PMID: 27532257). To our knowledge, functional studies have not been reported for this variant. This variant has been reported in eight unrelated individuals affected with hypertrophic cardiomyopathy (MID: 20624503, 27532257, 33495597; communication with external laboratories, ClinVar variation ID: 177847). This variant has not been identified in the general population by the Genome Aggregation Database (gnomAD). Based on the available evidence, this variant is classified as Likely Pathogenic.

This study involves interpretation of variants in research participants for the purpose of population health screening. Participant phenotype was not available at the time of variant classification. Additional details can be found in publication PMID: 35346344, PMCID: PMC8962531

Illumina Laboratory Services, Illumina
Classification: Likely pathogenic for Hypertrophic cardiomyopathy 1. Last evaluated: 2023-04-26. Review status: criteria provided, single submitter. Criteria: ICSLVariantClassificationCriteria RUGD 01 April 2020. Collection method: clinical testing. Allele origin: unknown. Not counted in ClinVar's aggregate classification.
Comment: The MYH7 c.2602G>C (p.Ala868Pro) missense variant has been reported in at least four individuals with hypertrophic cardiomyopathy, one of whom also had a variant in the MYBPC3 gene (PMID: 27532257; 20624503). This variant is not observed in version 2.1.1 or version 3.1.2 of the Genome Aggregation Database. It is located in the head region of the protein, where missense variants are statistically more likely to be associated with hypertrophic cardiomyopathy (PMID: 27532257). Multiple lines of computational evidence suggest the variant may impact the gene or gene product. This variant has been classified as likely pathogenic by the ClinGen Cardiomyopathy Variant Curation Expert Panel and multiple other submitters in ClinVar. Based on the available evidence, the c.2602G>C (p.Ala868Pro) variant is classified as likely pathogenic for hypertrophic cardiomyopathy.

CeGaT Center for Human Genetics Tuebingen
Classification: Likely pathogenic. Last evaluated: 2021-04-01. Review status: criteria provided, single submitter. Criteria: CeGaT Center For Human Genetics Tuebingen Variant Classification Criteria Version 2. Collection method: clinical testing. Allele origin: germline. Affected: yes. Observed: 1 variant allele. Not counted in ClinVar's aggregate classification.

Laboratory for Molecular Medicine, Mass General Brigham Personalized Medicine
Classification: Likely pathogenic for Hypertrophic cardiomyopathy. Last evaluated: 2019-07-23. Review status: criteria provided, single submitter. Criteria: LMM Criteria. Collection method: clinical testing. Allele origin: germline. Inheritance: Autosomal dominant inheritance. Observed: 1 variant allele. Not counted in ClinVar's aggregate classification.
Comment: The p.Ala868Pro variant in MYH7 has been reported in at least 8 individuals with HCM (Millat 2010, Walsh 2017, LMM data, Invitae personal communication, ClinVar Variation ID 177847), including 1 individual with early-onset HCM who also carried a pathogenic variant in the MYBPC3 gene. It has also been reported to segregate with HCM in one affected family member (ClinVar submission SCV000924872.1). This variant was absent from large population studies. Computational prediction tools and conservation analyses do not provide strong support for or against an impact to the protein. However, this variant lies in the head region of the protein and missense variants in this region are statistically more likely to be disease-associated (Walsh 2016). In summary, although additional studies are required to fully establish its clinical significance, this variant meets criteria to be classified as likely pathogenic for autosomal dominant HCM. ACMG/AMP Criteria applied: PM1, PM2, PS4_Moderate.

Stanford Center for Inherited Cardiovascular Disease, Stanford University
Classification: Uncertain significance. Last evaluated: 2017-04-21. Review status: criteria provided, single submitter. Criteria: ACMG Guidelines, 2015. Collection method: provider interpretation. Allele origin: germline. Not counted in ClinVar's aggregate classification.

Literature cited by the submitters: PubMed 27532257 (cited by 8 submitters); PubMed 2062450 (cited by Labcorp Genetics (formerly Invitae), Labcorp); PubMed 20624503 (cited by 5 submitters); PubMed 33495597 (cited by Color Diagnostics, LLC DBA Color Health); PubMed 17095604 (cited by Ambry Genetics); PubMed 37652022 (cited by Women's Health and Genetics/Laboratory Corporation of America, LabCorp); PubMed 34714385 (cited by Women's Health and Genetics/Laboratory Corporation of America, LabCorp); PubMed 34680864 (cited by Women's Health and Genetics/Laboratory Corporation of America, LabCorp); PubMed 38716318 (cited by Women's Health and Genetics/Laboratory Corporation of America, LabCorp).